The following is an entry in ClinVar:

NM_031892.3(SH3KBP1):c.641G>A (p.Gly214Asp)

Gene: SH3KBP1 (SH3 domain containing kinase binding protein 1; minus strand). Cytogenetic location: Xp22.12.
Variant type: single nucleotide variant.
Coding change: c.641G>A on transcript NM_031892.3 (MANE Select); coding-DNA position 641, G replaced by A.
Protein change: p.Gly214Asp; replaces glycine 214 with aspartic acid.
Molecular consequence: missense variant.
Genome position (GRCh38, 1-based): chrX:19,683,908, C>T on the plus strand (G>A on the coding strand, the complement: SH3KBP1 is on the minus strand). VCF-style: chrX-19683908-C-T. GRCh37 (hg19) VCF-style: chrX-19702026-C-T.
Other names: c.530G>A, p.Gly177Asp (NM_001024666.3); c.641G>A, p.Gly214Asp (NM_001353890.2); c.716G>A, p.Gly239Asp (NM_001353891.2, NM_001353892.2); c.539G>A, p.Gly180Asp (NM_001353893.2, NM_001353894.2); c.596G>A, p.Gly199Asp (NM_001353895.2); c.773G>A, p.Gly258Asp (NM_001410756.1, NM_001410757.1); c.464G>A, p.Gly155Asp (NM_001410758.1); short protein forms G155D, G199D, G258D, G177D, G214D, G239D, G180D.
Identifiers: ClinVar variation 4744171 (VCV004744171.1).
Genomic context (GRCh38, chrX:19,683,908, plus strand): 5'-TCTACTTCAATTGACCTTGGTCTTAGTTTGATTGGCTTGTCTTTGAAAATGTCTCCAAAG[C>T]CCACTCCCTTAACTTTCTTGGGCTGGATTGCTGCAGTTGCCACTGTCCCGTTGGCACCTT-3'
Protein context (NP_114098.1, residues 204-224): AIQPKKVKGV[Gly214Asp]FGDIFKDKPI

ClinVar aggregate classification (germline): Uncertain significance (1 of 4 stars; one submission).

Submission:

Labcorp Genetics (formerly Invitae), Labcorp
Classification: Uncertain significance. Last evaluated: 2025-11-10. Review status: criteria provided, single submitter. Criteria: Invitae Variant Classification Sherloc (09022015). Collection method: clinical testing. Allele origin: germline.
Comment: This sequence change replaces glycine, which is neutral and non-polar, with aspartic acid, which is acidic and polar, at codon 214 of the SH3KBP1 protein (p.Gly214Asp). This variant is not present in population databases (gnomAD no frequency). This variant has not been reported in the literature in individuals affected with SH3KBP1-related conditions. Invitae Evidence Modeling of protein sequence and biophysical properties (such as structural, functional, and spatial information, amino acid conservation, physicochemical variation, residue mobility, and thermodynamic stability) indicates that this missense variant is expected to disrupt SH3KBP1 protein function with a positive predictive value of 80%. In summary, the available evidence is currently insufficient to determine the role of this variant in disease. Therefore, it has been classified as a Variant of Uncertain Significance.